The following is an entry in ClinVar:

ClinVar aggregate classification (germline): Pathogenic (1 of 4 stars; one submission).

Conditions:
COG5-congenital disorder of glycosylation. Also called: COG5-CDG; CONGENITAL DISORDER OF GLYCOSYLATION, TYPE IIi; CDG IIi. Identifiers: Orphanet 263487, MedGen C3150876, MONDO:0013325, OMIM 613612.

Submission:

Labcorp Genetics (formerly Invitae), Labcorp
Classification: Pathogenic for COG5-congenital disorder of glycosylation. Last evaluated: 2022-04-19. Review status: criteria provided, single submitter. Criteria: Invitae Variant Classification Sherloc (09022015). Collection method: clinical testing. Allele origin: germline.
Comment: This variant is a gross deletion of the genomic region encompassing exon(s) 7 of the COG5 gene. This deletion is out-of-frame, and is expected to create a premature termination codon and result in an absent or disrupted protein product. Loss-of-function variants in COG5 are known to be pathogenic (PMID: 23228021). This variant has not been reported in the literature in individuals affected with COG5-related conditions. For these reasons, this variant has been classified as Pathogenic.

Literature cited by the submitters: PubMed 23228021.

NC_000007.13:g.(?_107052927)_(107053097_?)del

Gene: COG5 (component of oligomeric golgi complex 5; minus strand). Cytogenetic location: 7q22.3.
Variant type: Deletion.
Identifiers: ClinVar variation 1419371 (VCV001419371.5).